The following is an entry in ClinVar:

NM_002458.3(MUC5B):c.15478-13T>C

Gene: MUC5B (mucin 5B, oligomeric mucus/gel-forming; plus strand). Cytogenetic location: 11p15.5.
Variant type: single nucleotide variant.
Coding change: c.15478-13T>C on transcript NM_002458.3 (MANE Select); 13 bases into the intron before coding-DNA position 15478, T replaced by C.
Molecular consequence: intron variant.
Genome position (GRCh38, 1-based): chr11:1,254,681, T>C. VCF-style: chr11-1254681-T-C. GRCh37 (hg19) VCF-style: chr11-1275911-T-C.
Identifiers: ClinVar variation 164003 (VCV000164003.5), dbSNP rs56141203, ClinGen allele CA176768.
Genomic context (GRCh38, chr11:1,254,681, plus strand): 5'-CCAAAGAGAAGCCCTGCTCCCCGAGCCCACCTGGCACTGCCTCCCAGCTCAGGGTTCCCC[T>C]GGATTCCCCCAGATCCTGTTTGACCAAATTCCGGTGAGCAGCGGTTTCAGCAAGAACGGC-3'

ClinVar aggregate classification (germline): Benign. Review status: criteria provided, multiple submitters, no conflicts (2 of 4 stars). 2 submissions from 2 submitters: Benign (2). Last evaluated 2013-02-21.

Allele frequency attached by ClinVar (database versions not stated): ExAC 0.02969; gnomAD 0.02604 and 0.02518; TOPMed 0.01986; ESP Exome Variant Server 0.02528; gnomAD exomes 0.02659 and 0.03019; 1000 Genomes Project 30x 0.01437; 1000 Genomes Project 0.01478.
gnomAD v4.1: 47,588 of 1,607,834 alleles (3%); highest among the groups gnomAD compares: Non-Finnish European, 3.3%; 895 homozygotes.

Submissions (2):

Laboratory for Molecular Medicine, Mass General Brigham Personalized Medicine
Classification: Benign. Last evaluated: 2013-02-21. Review status: criteria provided, single submitter. Criteria: LMM Criteria. Collection method: clinical testing. Allele origin: germline. Observed: 7 variant alleles.
Comment: 15478-13T>C in intron 34 of MUC5B: This variant is not expected to have clinical significance because it has been identified in 3.0% (253/8296) of European Amer ican chromosomes from a broad population by the NHLBI Exome Sequencing Project (dbSNP rs56141203).

Breakthrough Genomics
Classification: Benign. Review status: criteria provided, single submitter. Criteria: ACMG Guidelines, 2015. Collection method: not provided. Allele origin: germline. Inheritance: Autosomal dominant inheritance. Affected: yes.